The following is an entry in ClinVar:

NM_015166.4(MLC1):c.481_524del (p.Ile161fs)

Gene: MLC1 (modulator of VRAC current 1; minus strand). Cytogenetic location: 22q13.33.
Variant type: Deletion.
Coding change: c.481_524del on transcript NM_015166.4 (MANE Select); coding-DNA positions 481 to 524, 44 bases deleted.
Protein change: p.Ile161fs; shifts the reading frame from isoleucine 161.
Molecular consequence: frameshift variant. On other transcripts: non-coding transcript variant (3).
Genome position (GRCh38, 1-based): chr22:50,077,402-50,077,445, 44 bases deleted. GRCh37 (hg19): chr22:50,515,831-50,515,874.
Other names: c.481_524del, p.Ile161fs (NM_001376472.1, NM_001376473.1, NM_001376474.1 and 6 more transcripts); c.391_434del, p.Ile131fs (NM_001376480.1); c.379_422del, p.Ile127fs (NM_001376481.1); c.325_368del, p.Ile109fs (NM_001376482.1, NM_001376483.1); c.244_287del, p.Ile82fs (NM_001376484.1); short protein forms I109fs, I131fs, I127fs, I161fs, I82fs.
Identifiers: ClinVar variation 2126589 (VCV002126589.4), dbSNP rs2518317033, ClinGen allele CA2580099925.

ClinVar aggregate classification (germline): Pathogenic (1 of 4 stars; one submission).

Submission:

Labcorp Genetics (formerly Invitae), Labcorp
Classification: Pathogenic. Last evaluated: 2022-04-15. Review status: criteria provided, single submitter. Criteria: Invitae Variant Classification Sherloc (09022015). Collection method: clinical testing. Allele origin: germline.
Comment: For these reasons, this variant has been classified as Pathogenic. Algorithms developed to predict the effect of sequence changes on RNA splicing suggest that this variant may disrupt the consensus splice site. This sequence change creates a premature translational stop signal (p.Ile161Glyfs*5) in the MLC1 gene. It is expected to result in an absent or disrupted protein product. Loss-of-function variants in MLC1 are known to be pathogenic (PMID: 11254442, 16470554, 24824219). This variant is not present in population databases (gnomAD no frequency). This variant has not been reported in the literature in individuals affected with MLC1-related conditions.

Literature cited by the submitters: PubMed 11254442; PubMed 16470554; PubMed 24824219.